The following is an entry in ClinVar:

NM_152328.5(ADSS1):c.193-5102C>T

Gene: ADSS1 (adenylosuccinate synthase 1; plus strand). Cytogenetic location: 14q32.33.
Variant type: single nucleotide variant.
Coding change: c.193-5102C>T on transcript NM_152328.5 (MANE Select); 5102 bases into the intron before coding-DNA position 193, C replaced by T.
Molecular consequence: intron variant. On other transcripts: 5 prime UTR variant (1), missense variant (1).
Genome position (GRCh38, 1-based): chr14:104,729,918, C>T. VCF-style: chr14-104729918-C-T. GRCh37 (hg19) VCF-style: chr14-105196255-C-T.
Other names: c.-702C>T (NM_001320424.1); c.26C>T, p.Ala9Val (NM_199165.2); short protein forms A9V.
Identifiers: ClinVar variation 1681877 (VCV001681877.6), dbSNP rs1463742289, ClinGen allele CA391232353.
Genomic context (GRCh38, chr14:104,729,918, plus strand): 5'-GGCGTCGGCGTCGTGGGGAGGAGCGTGGCGTCGGCATGGTGGGGAGGAGCTGTGGGGTGG[C>T]AACCCAGAGGCAAGGAGGTGGGCAGAGGCCCACGAACCTGGCCCTGACCCTCAGCTCGTC-3'

ClinVar aggregate classification (germline): Uncertain significance (1 of 4 stars; one submission).

Submission:

Labcorp Genetics (formerly Invitae), Labcorp
Classification: Uncertain significance. Last evaluated: 2021-11-09. Review status: criteria provided, single submitter. Criteria: Invitae Variant Classification Sherloc (09022015). Collection method: clinical testing. Allele origin: germline.
Comment: This sequence change replaces alanine, which is neutral and non-polar, with valine, which is neutral and non-polar, at codon 9 of the ADSSL1 protein (p.Ala9Val). This variant is not present in population databases (gnomAD no frequency). This variant has not been reported in the literature in individuals affected with ADSSL1-related conditions. Experimental studies and prediction algorithms are not available or were not evaluated, and the functional significance of this variant is currently unknown. In summary, the available evidence is currently insufficient to determine the role of this variant in disease. Therefore, it has been classified as a Variant of Uncertain Significance.